The following is an entry in ClinVar:

ClinVar aggregate classification (germline): Uncertain significance (1 of 4 stars; one submission).

Conditions:
Frontotemporal dementia and/or amyotrophic lateral sclerosis 1 (FTDALS1). Also called: Frontotemporal dementia with motor neuron disease 1; C9orf72 Frontotemporal Dementia and/or Amyotrophic Lateral Sclerosis. Identifiers: Orphanet 275872, MedGen C5779877, MONDO:0007105, OMIM 105550.
Paget disease of bone 2, early-onset (PDB2). Also called: Paget disease of bone 2. Identifiers: MedGen C4085251, MONDO:0011183, OMIM 602080.

Submission:

Labcorp Genetics (formerly Invitae), Labcorp
Classification: Uncertain significance for Paget disease of bone 2, early-onset; Frontotemporal dementia and/or amyotrophic lateral sclerosis 1. Last evaluated: 2022-11-01. Review status: criteria provided, single submitter. Criteria: Invitae Variant Classification Sherloc (09022015). Collection method: clinical testing. Allele origin: germline.
Comment: In summary, the available evidence is currently insufficient to determine the role of this variant in disease. Therefore, it has been classified as a Variant of Uncertain Significance. Advanced modeling of protein sequence and biophysical properties (such as structural, functional, and spatial information, amino acid conservation, physicochemical variation, residue mobility, and thermodynamic stability) performed at Invitae indicates that this missense variant is expected to disrupt SQSTM1 protein function. This variant has not been reported in the literature in individuals affected with SQSTM1-related conditions. This variant is not present in population databases (gnomAD no frequency). This sequence change replaces leucine, which is neutral and non-polar, with valine, which is neutral and non-polar, at codon 413 of the SQSTM1 protein (p.Leu413Val).

NM_003900.5(SQSTM1):c.1237C>G (p.Leu413Val)

Gene: SQSTM1 (sequestosome 1; plus strand). Cytogenetic location: 5q35.3.
Variant type: single nucleotide variant.
Coding change: c.1237C>G on transcript NM_003900.5 (MANE Select); coding-DNA position 1237, C replaced by G.
Protein change: p.Leu413Val; replaces leucine 413 with valine.
Molecular consequence: missense variant.
Genome position (GRCh38, 1-based): chr5:179,836,507, C>G. VCF-style: chr5-179836507-C-G. GRCh37 (hg19) VCF-style: chr5-179263507-C-G.
Other names: c.985C>G, p.Leu329Val (NM_001142298.2, NM_001142299.2); short protein forms L329V, L413V.
Identifiers: ClinVar variation 2941216 (VCV002941216.3), dbSNP rs1561609702, ClinGen allele CA362453948.